The following is an entry in ClinVar:

NM_001291867.2(NHS):c.1253del (p.Ser418fs)

Gene: NHS (NHS actin remodeling regulator; plus strand). Cytogenetic location: Xp22.13.
Variant type: Deletion.
Coding change: c.1253del on transcript NM_001291867.2 (MANE Select); coding-DNA position 1253, one base deleted (C; older notation c.1253delC).
Protein change: p.Ser418fs; shifts the reading frame from serine 418.
Molecular consequence: frameshift variant.
Genome position (GRCh38, 1-based): chrX:17,725,359, C deleted. VCF-style (leftmost placement, unchanged base first): chrX-17725358-TC-T. GRCh37 (hg19) VCF-style: chrX-17743478-TC-T.
Other names: c.722del, p.Ser241fs (NM_001136024.4); c.659del, p.Ser220fs (NM_001291868.2); c.1190del, p.Ser397fs (NM_198270.4); short protein forms S241fs, S418fs, S220fs, S397fs.
Identifiers: ClinVar variation 546439 (VCV000546439.2), dbSNP rs1556038232, ClinGen allele CA658824404.

ClinVar aggregate classification (germline): Pathogenic (1 of 4 stars; one submission).

Submission:

GeneDx
Classification: Pathogenic. Last evaluated: 2018-06-04. Review status: criteria provided, single submitter. Criteria: GeneDx Variant Classification (06012015). Collection method: clinical testing. Allele origin: germline. Affected: yes.
Comment: The c.1190delC pathogenic variant in the NHS gene causes a frameshift starting with codon Serine 397, changes this amino acid to a Tyrosine residue and creates a premature Stop codon at position 9 of the new reading frame, denoted p.Ser397TyrfsX9. This pathogenic variant is predicted to cause loss of normal protein function either through protein truncation or nonsense-mediated mRNA decay. The c.397delG variant is not observed in large population cohorts (Lek et al., 2016). We classify this variant as pathogenic.